The following is an entry in ClinVar:

NM_001353345.2(SETD1B):c.785G>A (p.Arg262His)

Gene: SETD1B (SET domain containing 1B, histone lysine methyltransferase; plus strand). Cytogenetic location: 12q24.31.
Variant type: single nucleotide variant.
Coding change: c.785G>A on transcript NM_001353345.2 (MANE Select); coding-DNA position 785, G replaced by A.
Protein change: p.Arg262His; replaces arginine 262 with histidine.
Molecular consequence: missense variant.
Genome position (GRCh38, 1-based): chr12:121,809,730, G>A. VCF-style: chr12-121809730-G-A. GRCh37 (hg19) VCF-style: chr12-122247636-G-A.
Other names: short protein forms R262H.
Identifiers: ClinVar variation 5005048 (VCV005005048.2).

ClinVar aggregate classification (germline): Uncertain significance (1 of 4 stars; one submission).

Conditions:
Intellectual developmental disorder with seizures and language delay (IDDSELD). Identifiers: MedGen C5436574, MONDO:0033559, OMIM 619000.

gnomAD v4.1: 2 of 1,551,432 alleles (0.00013%); highest among the groups gnomAD compares: Non-Finnish European, 0.00017%; no homozygotes.

Submission:

Juno Genomics, Hangzhou Juno Genomics, Inc
Classification: Uncertain significance for Intellectual developmental disorder with seizures and language delay. Review status: criteria provided, single submitter. Criteria: ACMG Guidelines, 2015. Collection method: clinical testing. Allele origin: germline.
Comment: Absent from controls (or at extremely low frequency if recessive) in Genome Aggregation Database.;Missense variant in a gene that has a low rate of benign missense variation.